The following is an entry in ClinVar:

ClinVar aggregate classification (germline): Uncertain significance (1 of 4 stars; one submission).

Conditions:
Inborn genetic diseases. Identifiers: MedGen C0950123, MeSH D030342.

gnomAD v4.1: 1 of 1,613,970 alleles (0.000062%); no homozygotes.

Submission:

Ambry Genetics
Classification: Uncertain significance for Inborn genetic diseases. Last evaluated: 2025-10-22. Review status: criteria provided, single submitter. Criteria: Ambry Variant Classification Scheme 2023. Collection method: clinical testing. Allele origin: germline.
Comment: The p.A980S variant (also known as c.2938G>T), located in coding exon 30 of the FANCA gene, results from a G to T substitution at nucleotide position 2938. The alanine at codon 980 is replaced by serine, an amino acid with similar properties. This amino acid position is conserved. In addition, the in silico prediction for this alteration is inconclusive. Based on the available evidence, the clinical significance of this variant remains unclear.

NM_000135.4(FANCA):c.2938G>T (p.Ala980Ser)

Gene: FANCA (FA complementation group A; minus strand). Cytogenetic location: 16q24.3.
Variant type: single nucleotide variant.
Coding change: c.2938G>T on transcript NM_000135.4 (MANE Select); coding-DNA position 2938, G replaced by T.
Protein change: p.Ala980Ser; replaces alanine 980 with serine.
Molecular consequence: missense variant.
Genome position (GRCh38, 1-based): chr16:89,758,620, C>A on the plus strand (G>T on the coding strand, the complement: FANCA is on the minus strand). VCF-style: chr16-89758620-C-A. GRCh37 (hg19) VCF-style: chr16-89825028-C-A.
Other names: c.2938G>T, p.Ala980Ser (NM_001286167.3); short protein forms A980S.
Identifiers: ClinVar variation 4619216 (VCV004619216.1).